The following is an entry in ClinVar:

NM_032608.7(MYO18B):c.4544C>G (p.Ala1515Gly)

Genes: MYO18B (myosin XVIIIB; plus strand), MYO18B-AS1 (MYO18B antisense RNA 1; minus strand). Cytogenetic location: 22q12.1.
Variant type: single nucleotide variant.
Coding change: c.4544C>G on transcript NM_032608.7 (MANE Select); coding-DNA position 4544, C replaced by G.
Protein change: p.Ala1515Gly; replaces alanine 1515 with glycine.
Molecular consequence: missense variant.
Genome position (GRCh38, 1-based): chr22:25,895,156, C>G. VCF-style: chr22-25895156-C-G. GRCh37 (hg19) VCF-style: chr22-26291123-C-G.
Other names: c.4547C>G, p.Ala1516Gly (NM_001318245.2); short protein forms A1515G, A1516G.
Identifiers: ClinVar variation 2128055 (VCV002128055.1), dbSNP rs2517816540, ClinGen allele CA411010039.
Genomic context (GRCh38, chr22:25,895,156, plus strand): 5'-ACACTCTTGCCTTACACTCATTTGGCCTCTTATCCTGGTCTCCCTGACTCCGTTAAACAG[C>G]AGACGAGTGGCAGATGCGCTTCGACTGTGCTCAGATGGAGAACGAGTTCCTCAGAAAGCG-3'
Protein context (NP_115997.5, residues 1505-1525): NDLERNPTGG[Ala1515Gly]DEWQMRFDCA

ClinVar aggregate classification (germline): Uncertain significance (1 of 4 stars; one submission).

Submission:

Labcorp Genetics (formerly Invitae), Labcorp
Classification: Uncertain significance. Last evaluated: 2022-04-19. Review status: criteria provided, single submitter. Criteria: Invitae Variant Classification Sherloc (09022015). Collection method: clinical testing. Allele origin: germline.
Comment: This sequence change replaces alanine, which is neutral and non-polar, with glycine, which is neutral and non-polar, at codon 1515 of the MYO18B protein (p.Ala1515Gly). This variant is not present in population databases (gnomAD no frequency). This variant has not been reported in the literature in individuals affected with MYO18B-related conditions. Algorithms developed to predict the effect of missense changes on protein structure and function are either unavailable or do not agree on the potential impact of this missense change (SIFT: "Not Available"; PolyPhen-2: "Benign"; Align-GVGD: "Not Available"). Algorithms developed to predict the effect of sequence changes on RNA splicing suggest that this variant may disrupt the consensus splice site. In summary, the available evidence is currently insufficient to determine the role of this variant in disease. Therefore, it has been classified as a Variant of Uncertain Significance.